The following is an entry in ClinVar:

ClinVar aggregate classification (germline): Benign. Review status: criteria provided, multiple submitters, no conflicts (2 of 4 stars). 9 submissions from 9 submitters: Benign (7). 2 of the submissions do not count toward it. Last evaluated 2026-02-04.

Conditions:
Autoinflammatory syndrome. Identifiers: Orphanet 93665, MedGen C3890737, MONDO:0019751.
Chédiak-Higashi syndrome (CHS). Also called: Chediak-Higashi Syndrome. Identifiers: Orphanet 167, MedGen C0007965, MONDO:0008963, OMIM 214500.

Allele frequency attached by ClinVar (database versions not stated): gnomAD exomes 0.01081; ExAC 0.01335; gnomAD 0.04083 and 0.04386; ESP Exome Variant Server 0.04513; TOPMed 0.04678; 1000 Genomes Project 0.04792; 1000 Genomes Project 30x 0.05012.
gnomAD v4.1: 12,380 of 1,614,080 alleles (0.77%); highest among the groups gnomAD compares: African/African-American, 14%; 806 homozygotes.

Submissions (9):

Labcorp Genetics (formerly Invitae), Labcorp
Classification: Benign for Chédiak-Higashi syndrome. Last evaluated: 2026-02-04. Review status: criteria provided, single submitter. Criteria: Invitae Variant Classification Sherloc (09022015). Collection method: clinical testing. Allele origin: germline.

Mayo Clinic Laboratories, Mayo Clinic
Classification: Benign. Last evaluated: 2023-09-24. Review status: criteria provided, single submitter. Criteria: ACMG Guidelines, 2015. Collection method: clinical testing. Allele origin: germline. Observed: 78 variant alleles.

Genome Diagnostics Laboratory, The Hospital for Sick Children
Classification: Benign for Autoinflammatory syndrome. Last evaluated: 2022-02-25. Review status: criteria provided, single submitter. Criteria: ACMG Guidelines, 2015. Collection method: clinical testing. Allele origin: germline. Affected: yes.

GeneDx
Classification: Benign. Last evaluated: 2019-07-14. Review status: criteria provided, single submitter. Criteria: GeneDx Variant Classification Process June 2021. Collection method: clinical testing. Allele origin: germline. Affected: yes.

Illumina Laboratory Services, Illumina
Classification: Benign for Chédiak-Higashi syndrome. Last evaluated: 2018-01-13. Review status: criteria provided, single submitter. Criteria: ICSL Variant Classification Criteria 13 December 2019. Collection method: clinical testing. Allele origin: germline.
Comment: This variant was observed in the ICSL laboratory as part of a predisposition screen in an ostensibly healthy population. It had not been previously curated by ICSL or reported in the Human Gene Mutation Database (HGMD: prior to June 1st, 2018), and was therefore a candidate for classification through an automated scoring system. Utilizing variant allele frequency, disease prevalence and penetrance estimates, and inheritance mode, an automated score was calculated to assess if this variant is too frequent to cause the disease. Based on the score and internal cut-off values, a variant classified as benign is not then subjected to further curation. The score for this variant resulted in a classification of benign for this disease.

Breakthrough Genomics
Classification: Benign. Review status: criteria provided, single submitter. Criteria: ACMG Guidelines, 2015. Collection method: not provided. Allele origin: germline. Inheritance: Autosomal recessive inheritance. Affected: yes.

PreventionGenetics, part of Exact Sciences
Classification: Benign. Review status: criteria provided, single submitter. Criteria: ACMG Guidelines, 2015. Collection method: clinical testing. Allele origin: germline.

Genome Diagnostics Laboratory, University Medical Center Utrecht
Classification: Benign. Review status: no assertion criteria provided. Collection method: clinical testing. Allele origin: germline. Affected: yes. Study: VKGL Data-share Consensus. Not counted in ClinVar's aggregate classification.

Laboratory of Diagnostic Genome Analysis, Leiden University Medical Center (LUMC)
Classification: Benign. Review status: no assertion criteria provided. Collection method: clinical testing. Allele origin: germline. Affected: yes. Study: VKGL Data-share Consensus. Not counted in ClinVar's aggregate classification.

NM_000081.4(LYST):c.574T>G (p.Leu192Val)

Gene: LYST (lysosomal trafficking regulator; minus strand). Cytogenetic location: 1q42.3.
Variant type: single nucleotide variant.
Coding change: c.574T>G on transcript NM_000081.4 (MANE Select); coding-DNA position 574, T replaced by G.
Protein change: p.Leu192Val; replaces leucine 192 with valine.
Molecular consequence: missense variant.
Genome position (GRCh38, 1-based): chr1:235,810,244, A>C on the plus strand (T>G on the coding strand, the complement: LYST is on the minus strand). VCF-style: chr1-235810244-A-C. GRCh37 (hg19) VCF-style: chr1-235973544-A-C.
Other names: c.574T>G (NM_000081.2); c.574T>G, p.Leu192Val (NM_001301365.1); short protein forms L192V.
Identifiers: ClinVar variation 254928 (VCV000254928.24), dbSNP rs7524261, ClinGen allele CA1467606.